The following is an entry in ClinVar:

NM_001142800.2(EYS):c.1933G>T (p.Glu645Ter)

Gene: EYS (EGF-like photoreceptor maintenance factor; minus strand). Cytogenetic location: 6q12.
Variant type: single nucleotide variant.
Coding change: c.1933G>T on transcript NM_001142800.2 (MANE Select); coding-DNA position 1933, G replaced by T.
Protein change: p.Glu645Ter; replaces glutamic acid 645 with a stop codon.
Molecular consequence: nonsense.
Genome position (GRCh38, 1-based): chr6:65,295,953, C>A on the plus strand (G>T on the coding strand, the complement: EYS is on the minus strand). VCF-style: chr6-65295953-C-A. GRCh37 (hg19) VCF-style: chr6-66005846-C-A.
Other names: c.1933G>T, p.Glu645Ter (NM_001292009.2); short protein forms E645*.
Identifiers: ClinVar variation 4067751 (VCV004067751.2).

ClinVar aggregate classification (germline): Likely pathogenic (1 of 4 stars; one submission).

Conditions:
Retinitis pigmentosa 25 (RP25). Identifiers: Orphanet 791, MedGen C1864446, MONDO:0011272, OMIM 602772.

Submission:

Natera, Inc.
Classification: Likely pathogenic for Retinitis pigmentosa type 25. Last evaluated: 2025-01-21. Review status: criteria provided, single submitter. Criteria: Natera Variant Classification Schema (03/2026). Collection method: clinical testing. Allele origin: germline.
Comment: The c.1933G>T variant in EYS is a nonsense variant predicted to introduce a stop codon at amino acid 645. This variant is expected to result in nonsense mediated decay, truncation, or a dysfunctional protein product. This variant is rare in the general population with a frequency below the threshold expected for the associated phenotype(s). Given the available evidence, this variant is classified as Likely Pathogenic.